The following is an entry in ClinVar:

NM_001114748.2(TMEM240):c.444C>T (p.Phe148=)

Gene: TMEM240 (transmembrane protein 240; minus strand). Cytogenetic location: 1p36.33.
Variant type: single nucleotide variant.
Coding change: c.444C>T on transcript NM_001114748.2 (MANE Select); coding-DNA position 444, C replaced by T.
Protein change: p.Phe148=; no amino-acid change (phenylalanine 148 retained).
Molecular consequence: synonymous variant.
Genome position (GRCh38, 1-based): chr1:1,535,437, G>A on the plus strand (C>T on the coding strand, the complement: TMEM240 is on the minus strand). VCF-style: chr1-1535437-G-A. GRCh37 (hg19) VCF-style: chr1-1470817-G-A.
Identifiers: ClinVar variation 3025054 (VCV003025054.23), dbSNP rs373280568, ClinGen allele CA16796607.

ClinVar aggregate classification (germline): Likely benign. Review status: criteria provided, multiple submitters, no conflicts (2 of 4 stars). 2 submissions from 2 submitters: Likely benign (2). Last evaluated 2026-01-28.

Allele frequency attached by ClinVar (database versions not stated): gnomAD 0.00003; gnomAD exomes 0.00003; TOPMed 0.00004; ESP Exome Variant Server 0.00022.
gnomAD v4.1: 55 of 1,549,554 alleles (0.0035%); highest among the groups gnomAD compares: Admixed American, 0.0039%; no homozygotes.

Submissions (2):

Labcorp Genetics (formerly Invitae), Labcorp
Classification: Likely benign. Last evaluated: 2026-01-28. Review status: criteria provided, single submitter. Criteria: Invitae Variant Classification Sherloc (09022015). Collection method: clinical testing. Allele origin: germline.

CeGaT Center for Human Genetics Tuebingen
Classification: Likely benign. Last evaluated: 2024-01-01. Review status: criteria provided, single submitter. Criteria: CeGaT Center For Human Genetics Tuebingen Variant Classification Criteria Version 2. Collection method: clinical testing. Allele origin: germline. Affected: yes. Observed: 1 variant allele.
Comment: TMEM240: BP4, BP7